The following is an entry in ClinVar:

ClinVar aggregate classification (germline): Pathogenic (1 of 4 stars; one submission).

Conditions:
Anauxetic dysplasia. Identifiers: Orphanet 93347, MedGen C1846796, MONDO:0011773.

Submission:

Labcorp Genetics (formerly Invitae), Labcorp
Classification: Pathogenic for Anauxetic dysplasia. Last evaluated: 2024-06-11. Review status: criteria provided, single submitter. Criteria: Invitae Variant Classification Sherloc (09022015). Collection method: clinical testing. Allele origin: germline.
Comment: This variant occurs in the RMRP gene, which encodes an RNA molecule that does not result in a protein product. This variant is not present in population databases (gnomAD no frequency). While this particular variant has not been reported in the literature, it is located in the promoter region between the TATA box and the transcription initiation site, and other insertions and duplications immediately upstream of the coding sequence have been reported in individuals affected with cartilage-hair hypoplasia-anauxetic dysplasia (CHH-AD) spectrum disorders (PMID: 16244706, 11207361, 12107819). While functional studies for this variant have not been reported, experimental analyses using patient derived cells, as well as in vitro transfection studies, have shown that promoter insertions result in silencing of RMRP transcription and reduced expression of the gene product (PMID: 11207361, 16254002). For these reasons, this variant has been classified as Pathogenic.

Literature cited by the submitters: PubMed 16244706; PubMed 11207361; PubMed 12107819; PubMed 16254002.

NC_000009.12:g.35658018_35658032dup

Gene: RMRP (RNA component of mitochondrial RNA processing endoribonuclease; minus strand). Cytogenetic location: 9p13.3.
Variant type: Duplication.
Genome position: GRCh38 VCF-style: chr9-35658016-A-ACCACGTCCTCAGCTT. GRCh37 (hg19) VCF-style: chr9-35658013-A-ACCACGTCCTCAGCTT.
Identifiers: ClinVar variation 1066456 (VCV001066456.9), dbSNP rs1823630945, ClinGen allele CA1846127671.